The following is an entry in ClinVar:

ClinVar aggregate classification (germline): Pathogenic (1 of 4 stars; one submission).

Submission:

Labcorp Genetics (formerly Invitae), Labcorp
Classification: Pathogenic. Last evaluated: 2022-08-16. Review status: criteria provided, single submitter. Criteria: Invitae Variant Classification Sherloc (09022015). Collection method: clinical testing. Allele origin: germline.
Comment: For these reasons, this variant has been classified as Pathogenic. This variant has not been reported in the literature in individuals affected with USH2A-related conditions. This variant is not present in population databases (gnomAD no frequency). This sequence change creates a premature translational stop signal (p.Glu1567Valfs*16) in the USH2A gene. It is expected to result in an absent or disrupted protein product. Loss-of-function variants in USH2A are known to be pathogenic (PMID: 10729113, 10909849, 20507924, 25649381).

Literature cited by the submitters: PubMed 10729113; PubMed 10909849; PubMed 20507924; PubMed 25649381.

NM_206933.4(USH2A):c.4698_4702del (p.Glu1567fs)

Gene: USH2A (usherin; minus strand). Cytogenetic location: 1q41.
Variant type: Deletion.
Coding change: c.4698_4702del on transcript NM_206933.4 (MANE Select); coding-DNA positions 4698 to 4702, 5 bases deleted (GGAAG; older notation c.4698_4702delGGAAG).
Protein change: p.Glu1567fs; shifts the reading frame from glutamic acid 1567.
Molecular consequence: frameshift variant.
Genome position (GRCh38, 1-based): chr1:216,097,139-216,097,143, CTTCC deleted on the plus strand (GGAAG on the coding strand, the reverse complement: USH2A is on the minus strand). VCF-style (leftmost placement, unchanged base first): chr1-216097138-TCTTCC-T. GRCh37 (hg19) VCF-style: chr1-216270480-TCTTCC-T.
Other names: short protein forms E1567fs.
Identifiers: ClinVar variation 2096518 (VCV002096518.4), dbSNP rs2527835731, ClinGen allele CA2580062123.